The following is an entry in ClinVar:

NM_006648.4(WNK2):c.5027A>T (p.Asp1676Val)

Gene: WNK2 (WNK lysine deficient protein kinase 2; plus strand). Cytogenetic location: 9q22.31.
Variant type: single nucleotide variant.
Coding change: c.5027A>T on transcript NM_006648.4 (MANE Select); coding-DNA position 5027, A replaced by T.
Protein change: p.Asp1676Val; replaces aspartic acid 1676 with valine.
Molecular consequence: missense variant.
Genome position (GRCh38, 1-based): chr9:93,292,492, A>T. VCF-style: chr9-93292492-A-T. GRCh37 (hg19) VCF-style: chr9-96054774-A-T.
Other names: c.5138A>T, p.Asp1713Val (NM_001282394.3); short protein forms D1676V, D1713V.
Identifiers: ClinVar variation 3470106 (VCV003470106.1).

ClinVar aggregate classification (germline): Uncertain significance (1 of 4 stars; one submission).

gnomAD v4.1: 2 of 1,602,892 alleles (0.00012%); highest among the groups gnomAD compares: South Asian, 0.0011%; no homozygotes.

Submission:

Ambry Genetics
Classification: Uncertain significance. Last evaluated: 2024-10-15. Review status: criteria provided, single submitter. Criteria: Ambry Variant Classification Scheme 2023. Collection method: clinical testing. Allele origin: germline.
Comment: The p.D1676V variant (also known as c.5027A>T), located in coding exon 22 of the WNK2 gene, results from an A to T substitution at nucleotide position 5027. The aspartic acid at codon 1676 is replaced by valine, an amino acid with highly dissimilar properties. This amino acid position is conserved. In addition, this alteration is predicted to be tolerated by in silico analysis. Based on the available evidence, the clinical significance of this variant remains unclear.